The following is an entry in ClinVar:

NM_015466.4(PTPN23):c.1297G>A (p.Asp433Asn)

Gene: PTPN23 (protein tyrosine phosphatase non-receptor type 23; plus strand). Cytogenetic location: 3p21.31.
Variant type: single nucleotide variant.
Coding change: c.1297G>A on transcript NM_015466.4 (MANE Select); coding-DNA position 1297, G replaced by A.
Protein change: p.Asp433Asn; replaces aspartic acid 433 with asparagine.
Molecular consequence: missense variant.
Genome position (GRCh38, 1-based): chr3:47,408,457, G>A. VCF-style: chr3-47408457-G-A. GRCh37 (hg19) VCF-style: chr3-47449947-G-A.
Other names: c.919G>A, p.Asp307Asn (NM_001304482.2); short protein forms D433N, D307N.
Identifiers: ClinVar variation 1514062 (VCV001514062.6), dbSNP rs764175275, ClinGen allele CA2365700.

ClinVar aggregate classification (germline): Uncertain significance (1 of 4 stars; one submission).

Allele frequency attached by ClinVar (database versions not stated): gnomAD exomes below 0.00001; ExAC 0.00001.
gnomAD v4.1: 2 of 1,614,064 alleles (0.00012%); highest among the groups gnomAD compares: East Asian, 0.0022%; no homozygotes.

Submission:

Labcorp Genetics (formerly Invitae), Labcorp
Classification: Uncertain significance. Last evaluated: 2022-03-08. Review status: criteria provided, single submitter. Criteria: Invitae Variant Classification Sherloc (09022015). Collection method: clinical testing. Allele origin: germline.
Comment: This sequence change replaces aspartic acid, which is acidic and polar, with asparagine, which is neutral and polar, at codon 433 of the PTPN23 protein (p.Asp433Asn). This variant is present in population databases (rs764175275, gnomAD 0.006%). In summary, the available evidence is currently insufficient to determine the role of this variant in disease. Therefore, it has been classified as a Variant of Uncertain Significance. Algorithms developed to predict the effect of missense changes on protein structure and function are either unavailable or do not agree on the potential impact of this missense change (SIFT: "Tolerated"; PolyPhen-2: "Not Available"; Align-GVGD: "Class C0"). This variant has not been reported in the literature in individuals affected with PTPN23-related conditions.